The following is an entry in ClinVar:

NM_015466.4(PTPN23):c.3665G>A (p.Arg1222Gln)

Gene: PTPN23 (protein tyrosine phosphatase non-receptor type 23; plus strand). Cytogenetic location: 3p21.31.
Variant type: single nucleotide variant.
Coding change: c.3665G>A on transcript NM_015466.4 (MANE Select); coding-DNA position 3665, G replaced by A.
Protein change: p.Arg1222Gln; replaces arginine 1222 with glutamine.
Molecular consequence: missense variant.
Genome position (GRCh38, 1-based): chr3:47,411,463, G>A. VCF-style: chr3-47411463-G-A. GRCh37 (hg19) VCF-style: chr3-47452953-G-A.
Other names: c.3287G>A, p.Arg1096Gln (NM_001304482.2); short protein forms R1096Q, R1222Q.
Identifiers: ClinVar variation 1924020 (VCV001924020.2), dbSNP rs767078470, ClinGen allele CA2366328.
Genomic context (GRCh38, chr3:47,411,463, plus strand): 5'-AGGAACATGATGCCCGAGGCCGTTCCATCGCCATTGCCCGCTGCTACTCACTGAAGAACC[G>A]GCACCAGGATGTCATGCCCTATGACAGTAACCGTGTGGTGCTGCGCTCAGGCAAGGATGA-3'
Protein context (NP_056281.1, residues 1212-1232): AIARCYSLKN[Arg1222Gln]HQDVMPYDSN

ClinVar aggregate classification (germline): Uncertain significance (1 of 4 stars; one submission).

Allele frequency attached by ClinVar (database versions not stated): TOPMed 0.00001; gnomAD exomes 0.00002; ExAC 0.00003.
gnomAD v4.1: 26 of 1,613,148 alleles (0.0016%); highest among the groups gnomAD compares: South Asian, 0.0022%; no homozygotes.

Submission:

Labcorp Genetics (formerly Invitae), Labcorp
Classification: Uncertain significance. Last evaluated: 2022-10-04. Review status: criteria provided, single submitter. Criteria: Invitae Variant Classification Sherloc (09022015). Collection method: clinical testing. Allele origin: germline.
Comment: This sequence change replaces arginine, which is basic and polar, with glutamine, which is neutral and polar, at codon 1222 of the PTPN23 protein (p.Arg1222Gln). This variant is present in population databases (rs767078470, gnomAD 0.04%). This variant has not been reported in the literature in individuals affected with PTPN23-related conditions. Algorithms developed to predict the effect of missense changes on protein structure and function are either unavailable or do not agree on the potential impact of this missense change (SIFT: "Tolerated"; PolyPhen-2: "Probably Damaging"; Align-GVGD: "Class C0"). In summary, the available evidence is currently insufficient to determine the role of this variant in disease. Therefore, it has been classified as a Variant of Uncertain Significance.